The following is an entry in ClinVar:

ClinVar aggregate classification (germline): Pathogenic (1 of 4 stars; one submission).

Submission:

Labcorp Genetics (formerly Invitae), Labcorp
Classification: Pathogenic. Last evaluated: 2023-10-18. Review status: criteria provided, single submitter. Criteria: Invitae Variant Classification Sherloc (09022015). Collection method: clinical testing. Allele origin: germline.
Comment: This sequence change creates a premature translational stop signal (p.Gln399*) in the TYR gene. It is expected to result in an absent or disrupted protein product. Loss-of-function variants in TYR are known to be pathogenic (PMID: 23504663). This variant is not present in population databases (gnomAD no frequency). This premature translational stop signal has been observed in individual(s) with clinical features of ocular albinism (PMID: 25577957, 27734839). For these reasons, this variant has been classified as Pathogenic.

Literature cited by the submitters: PubMed 23504663; PubMed 25577957; PubMed 27734839.

NM_000372.5(TYR):c.1195C>T (p.Gln399Ter)

Gene: TYR (tyrosinase; plus strand). Cytogenetic location: 11q14.3.
Variant type: single nucleotide variant.
Coding change: c.1195C>T on transcript NM_000372.5 (MANE Select); coding-DNA position 1195, C replaced by T.
Protein change: p.Gln399Ter; replaces glutamine 399 with a stop codon.
Molecular consequence: nonsense.
Genome position (GRCh38, 1-based): chr11:89,284,783, C>T. VCF-style: chr11-89284783-C-T. GRCh37 (hg19) VCF-style: chr11-89017951-C-T.
Other names: short protein forms Q399*.
Identifiers: ClinVar variation 2735733 (VCV002735733.3), dbSNP rs2496711460, ClinGen allele CA382077841.